The following is an entry in ClinVar:

ClinVar aggregate classification (germline): Likely pathogenic (1 of 4 stars; one submission).

Submission:

Labcorp Genetics (formerly Invitae), Labcorp
Classification: Likely pathogenic. Last evaluated: 2025-04-14. Review status: criteria provided, single submitter. Criteria: Invitae Variant Classification Sherloc (09022015). Collection method: clinical testing. Allele origin: germline.
Comment: This sequence change affects an acceptor splice site in intron 2 of the CNGB3 gene. It is expected to disrupt RNA splicing. Variants that disrupt the donor or acceptor splice site typically lead to a loss of protein function (PMID: 16199547), and loss-of-function variants in CNGB3 are known to be pathogenic (PMID: 28795510). This variant is not present in population databases (gnomAD no frequency). This variant has not been reported in the literature in individuals affected with CNGB3-related conditions. ClinVar contains an entry for this variant (Variation ID: 950385). Algorithms developed to predict the effect of sequence changes on RNA splicing suggest that this variant may disrupt the consensus splice site. In summary, the currently available evidence indicates that the variant is pathogenic, but additional data are needed to prove that conclusively. Therefore, this variant has been classified as Likely Pathogenic.

Literature cited by the submitters: PubMed 16199547; PubMed 28795510.

NM_019098.5(CNGB3):c.212-1G>C

Gene: CNGB3 (cyclic nucleotide gated channel subunit beta 3; minus strand). Cytogenetic location: 8q21.3.
Variant type: single nucleotide variant.
Coding change: c.212-1G>C on transcript NM_019098.5 (MANE Select); the canonical splice acceptor site of the intron before coding-DNA position 212, G replaced by C.
Molecular consequence: splice acceptor variant.
Genome position (GRCh38, 1-based): chr8:86,726,658, C>G on the plus strand (G>C on the coding strand, the complement: CNGB3 is on the minus strand). VCF-style: chr8-86726658-C-G. GRCh37 (hg19) VCF-style: chr8-87738886-C-G.
Identifiers: ClinVar variation 950385 (VCV000950385.8), dbSNP rs1825065987, ClinGen allele CA371456174.
Genomic context (GRCh38, chr8:86,726,658, plus strand): 5'-CATTTTGAGGGTCAGGGTTTGTGGTCAGATCTCCAGAGGAATTTTTCTTGGAGAGTTTGT[C>G]TATGAAAAAAAAATTCACATAGATAGAAGAATGTACAACACTCTTGACCCAGCTATATTT-3'